The following is an entry in ClinVar:

ClinVar aggregate classification (germline): Conflicting classifications of pathogenicity. Review status: criteria provided, conflicting classifications (1 of 4 stars). 7 submissions from 7 submitters: Uncertain significance (3); Benign (1); Likely benign (3). Last evaluated 2026-07-01.

Conditions:
Spastic paraplegia. Identifiers: MedGen C0037772, HP:0001258.
Hereditary spastic paraplegia. Also called: Familial spastic paraparesis. Identifiers: Orphanet 685, MedGen C0037773, MONDO:0019064. Disease mechanism: loss of function.
Charlevoix-Saguenay spastic ataxia (SACS). Also called: SPASTIC ATAXIA 6, AUTOSOMAL RECESSIVE; AUTOSOMAL RECESSIVE SPASTIC ATAXIA OF CHARLEVOIX-SAGUENAY; Spastic ataxia of Charlevoix-Saguenay. Identifiers: Orphanet 98, MedGen C1849140, MONDO:0010041, OMIM 270550.

Allele frequency attached by ClinVar (database versions not stated): 1000 Genomes Project 0.00060; ExAC 0.00079; gnomAD exomes 0.00084; TOPMed 0.00015; ESP Exome Variant Server 0.00031; 1000 Genomes Project 30x 0.00047.
gnomAD v4.1: 891 of 1,613,766 alleles (0.055%); highest among the groups gnomAD compares: Non-Finnish European, 0.031%; no homozygotes.

Submissions (7):

CeGaT Center for Human Genetics Tuebingen
Classification: Likely benign. Last evaluated: 2026-07-01. Review status: criteria provided, single submitter. Criteria: CeGaT Center For Human Genetics Tuebingen Variant Classification Criteria Version 2. Collection method: clinical testing. Allele origin: germline. Affected: yes. Observed: 2 variant alleles.
Comment: SACS: PP3, BS1

Labcorp Genetics (formerly Invitae), Labcorp
Classification: Likely benign for Spastic paraplegia. Last evaluated: 2026-01-16. Review status: criteria provided, single submitter. Criteria: Invitae Variant Classification Sherloc (09022015). Collection method: clinical testing. Allele origin: germline.

Athena Diagnostics
Classification: Benign. Last evaluated: 2025-06-27. Review status: criteria provided, single submitter. Criteria: Athena Diagnostics Criteria. Collection method: clinical testing. Allele origin: unknown.
Comment: The frequency of this variant in the general population is higher than would generally be expected for pathogenic variants in this gene.

Blueprint Genetics
Classification: Likely benign. Last evaluated: 2024-11-22. Review status: criteria provided, single submitter. Criteria: ACMG Guidelines, 2015. Collection method: clinical testing. Allele origin: germline.

Genome-Nilou Lab
Classification: Uncertain significance for Charlevoix-Saguenay spastic ataxia. Last evaluated: 2021-09-05. Review status: criteria provided, single submitter. Criteria: ACMG Guidelines, 2015. Collection method: clinical testing. Allele origin: germline. Affected: no.

Fulgent Genetics
Classification: Uncertain significance for Charlevoix-Saguenay spastic ataxia. Last evaluated: 2018-10-31. Review status: criteria provided, single submitter. Criteria: ACMG Guidelines, 2015. Collection method: clinical testing. Allele origin: unknown.

Genome Diagnostics Laboratory, The Hospital for Sick Children
Classification: Uncertain significance for Hereditary spastic paraplegia. Last evaluated: 2016-12-12. Review status: criteria provided, single submitter. Criteria: ACMG Guidelines, 2015. Collection method: clinical testing. Allele origin: germline. Affected: yes.

NM_014363.6(SACS):c.8972G>A (p.Arg2991His)

Gene: SACS (sacsin molecular chaperone; minus strand). Cytogenetic location: 13q12.12.
Variant type: single nucleotide variant.
Coding change: c.8972G>A on transcript NM_014363.6 (MANE Select); coding-DNA position 8972, G replaced by A.
Protein change: p.Arg2991His; replaces arginine 2991 with histidine.
Molecular consequence: missense variant.
Genome position (GRCh38, 1-based): chr13:23,334,904, C>T on the plus strand (G>A on the coding strand, the complement: SACS is on the minus strand). VCF-style: chr13-23334904-C-T. GRCh37 (hg19) VCF-style: chr13-23909043-C-T.
Other names: c.8531G>A, p.Arg2844His (NM_001278055.2); short protein forms R2991H, R2844H.
Identifiers: ClinVar variation 448227 (VCV000448227.60), dbSNP rs192610957, ClinGen allele CA6910684.